The following is an entry in ClinVar:

ClinVar aggregate classification (germline): Uncertain significance (1 of 4 stars; one submission).

Conditions:
Xeroderma pigmentosum, group F (XPF). Also called: ERCC4-Related Xeroderma Pigmentosum; XERODERMA PIGMENTOSUM, COMPLEMENTATION GROUP F; XERODERMA PIGMENTOSUM VI; XP, GROUP F; XERODERMA PIGMENTOSUM, TYPE F; Xeroderma pigmentosum, type 6. Identifiers: MedGen C0268140, MONDO:0010215, OMIM 278760.
Fanconi anemia complementation group Q. Identifiers: Orphanet 84, MedGen C3808988, MONDO:0014108, OMIM 615272.
Cockayne syndrome. Identifiers: Orphanet 191, MedGen C0009207, MONDO:0016006.

Submission:

Labcorp Genetics (formerly Invitae), Labcorp
Classification: Uncertain significance for Fanconi anemia complementation group Q; Xeroderma pigmentosum, group F; Cockayne syndrome. Last evaluated: 2025-05-02. Review status: criteria provided, single submitter. Criteria: Invitae Variant Classification Sherloc (09022015). Collection method: clinical testing. Allele origin: germline.
Comment: This sequence change replaces aspartic acid, which is acidic and polar, with valine, which is neutral and non-polar, at codon 824 of the ERCC4 protein (p.Asp824Val). This variant is not present in population databases (gnomAD no frequency). This variant has not been reported in the literature in individuals affected with ERCC4-related conditions. ClinVar contains an entry for this variant (Variation ID: 2929148). Invitae Evidence Modeling of protein sequence and biophysical properties (such as structural, functional, and spatial information, amino acid conservation, physicochemical variation, residue mobility, and thermodynamic stability) indicates that this missense variant is expected to disrupt ERCC4 protein function with a positive predictive value of 80%. In summary, the available evidence is currently insufficient to determine the role of this variant in disease. Therefore, it has been classified as a Variant of Uncertain Significance.

NM_005236.3(ERCC4):c.2471A>T (p.Asp824Val)

Gene: ERCC4 (ERCC excision repair 4, endonuclease catalytic subunit; plus strand). Cytogenetic location: 16p13.12.
Variant type: single nucleotide variant.
Coding change: c.2471A>T on transcript NM_005236.3 (MANE Select); coding-DNA position 2471, A replaced by T.
Protein change: p.Asp824Val; replaces aspartic acid 824 with valine.
Molecular consequence: missense variant.
Genome position (GRCh38, 1-based): chr16:13,948,067, A>T. VCF-style: chr16-13948067-A-T. GRCh37 (hg19) VCF-style: chr16-14041924-A-T.
Other names: short protein forms D824V.
Identifiers: ClinVar variation 2929148 (VCV002929148.3), dbSNP rs2543196413, ClinGen allele CA394824013.